The following is an entry in ClinVar:

NM_000053.4(ATP7B):c.1444A>G (p.Thr482Ala)

Gene: ATP7B (ATPase copper transporting beta; minus strand). Cytogenetic location: 13q14.3.
Variant type: single nucleotide variant.
Coding change: c.1444A>G on transcript NM_000053.4 (MANE Select); coding-DNA position 1444, A replaced by G.
Protein change: p.Thr482Ala; replaces threonine 482 with alanine.
Molecular consequence: missense variant. On other transcripts: intron variant (1).
Genome position (GRCh38, 1-based): chr13:51,970,591, T>C on the plus strand (A>G on the coding strand, the complement: ATP7B is on the minus strand). VCF-style: chr13-51970591-T-C. GRCh37 (hg19) VCF-style: chr13-52544727-T-C.
Other names: c.1444A>G, p.Thr482Ala (NM_001406513.1, NM_001406514.1, NM_001406515.1 and 28 more transcripts); c.1348A>G, p.Thr450Ala (NM_001406517.1, NM_001406518.1, NM_001406536.1 and 3 more transcripts); c.1015A>G, p.Thr339Ala (NM_001406539.1); c.1111A>G, p.Thr371Ala (NM_001243182.2); c.1285+3344A>G (NM_001406548.1); c.1444A>G (NM_000053.3); short protein forms T371A, T339A, T450A, T482A.
Identifiers: ClinVar variation 3665183 (VCV003665183.2).

ClinVar aggregate classification (germline): Uncertain significance. Review status: criteria provided, multiple submitters, no conflicts (2 of 4 stars). 2 submissions from 2 submitters: Uncertain significance (2). Last evaluated 2026-04-20.

Conditions:
Wilson disease (WND). Also called: Wilson's disease. Identifiers: Orphanet 905, MedGen C0019202, MONDO:0010200, OMIM 277900. Disease mechanism: loss of function.

gnomAD v4.1: 5 of 1,614,070 alleles (0.00031%); highest among the groups gnomAD compares: East Asian, 0.0089%; no homozygotes.

Submissions (2):

GeneDx
Classification: Uncertain significance. Last evaluated: 2026-04-20. Review status: criteria provided, single submitter. Criteria: GeneDx Variant Classification Process June 2021. Collection method: clinical testing. Allele origin: germline.
Comment: Not observed at significant frequency in large population cohorts (gnomAD); In silico analysis suggests that this missense variant does not alter protein structure/function; Has not been previously published as pathogenic or benign to our knowledge; This variant is associated with the following publications: (PMID: PartanES2021[preprint])

Labcorp Genetics (formerly Invitae), Labcorp
Classification: Uncertain significance for Wilson disease. Last evaluated: 2024-07-27. Review status: criteria provided, single submitter. Criteria: Invitae Variant Classification Sherloc (09022015). Collection method: clinical testing. Allele origin: germline.
Comment: This sequence change replaces threonine, which is neutral and polar, with alanine, which is neutral and non-polar, at codon 482 of the ATP7B protein (p.Thr482Ala). This variant is present in population databases (rs749804531, gnomAD 0.01%). This variant has not been reported in the literature in individuals affected with ATP7B-related conditions. Advanced modeling of protein sequence and biophysical properties (such as structural, functional, and spatial information, amino acid conservation, physicochemical variation, residue mobility, and thermodynamic stability) performed at Invitae indicates that this missense variant is not expected to disrupt ATP7B protein function with a negative predictive value of 80%. In summary, the available evidence is currently insufficient to determine the role of this variant in disease. Therefore, it has been classified as a Variant of Uncertain Significance.